The following is an entry in ClinVar:

ClinVar aggregate classification (germline): Uncertain significance (1 of 4 stars; one submission).

Allele frequency attached by ClinVar (database versions not stated): gnomAD 0.00001.
gnomAD v4.1: 3 of 1,614,048 alleles (0.00019%); highest among the groups gnomAD compares: Admixed American, 0.0017%; no homozygotes.

Submission:

Ambry Genetics
Classification: Uncertain significance. Last evaluated: 2022-10-19. Review status: criteria provided, single submitter. Criteria: Ambry Variant Classification Scheme 2023. Collection method: clinical testing. Allele origin: germline.
Comment: The p.N326S variant (also known as c.977A>G), located in coding exon 3 of the TERF2IP gene, results from an A to G substitution at nucleotide position 977. The asparagine at codon 326 is replaced by serine, an amino acid with highly similar properties. This amino acid position is conserved. In addition, this alteration is predicted to be tolerated by in silico analysis. Since supporting evidence is limited at this time, the clinical significance of this alteration remains unclear.

NM_018975.4(TERF2IP):c.977A>G (p.Asn326Ser)

Gene: TERF2IP (TERF2 interacting protein; plus strand). Cytogenetic location: 16q23.1.
Variant type: single nucleotide variant.
Coding change: c.977A>G on transcript NM_018975.4 (MANE Select); coding-DNA position 977, A replaced by G.
Protein change: p.Asn326Ser; replaces asparagine 326 with serine.
Molecular consequence: missense variant. On other transcripts: non-coding transcript variant (1).
Genome position (GRCh38, 1-based): chr16:75,656,388, A>G. VCF-style: chr16-75656388-A-G. GRCh37 (hg19) VCF-style: chr16-75690286-A-G.
Other names: short protein forms N326S.
Identifiers: ClinVar variation 1768157 (VCV001768157.2), dbSNP rs2082386347, ClinGen allele CA396820001.